The following is an entry in ClinVar:

ClinVar aggregate classification (germline): Likely benign. Review status: criteria provided, multiple submitters, no conflicts (2 of 4 stars). 2 submissions from 2 submitters: Likely benign (2). Last evaluated 2026-06-01.

Conditions:
Developmental and epileptic encephalopathy, 23 (DEE23). Also called: Epileptic encephalopathy, early infantile, 23. Identifiers: Orphanet 411986, MedGen C4014492, MONDO:0014371, OMIM 615859.

gnomAD v4.1: 25 of 1,613,584 alleles (0.0015%); highest among the groups gnomAD compares: East Asian, 0.011%; no homozygotes.

Submissions (2):

CeGaT Center for Human Genetics Tuebingen
Classification: Likely benign. Last evaluated: 2026-06-01. Review status: criteria provided, single submitter. Criteria: CeGaT Center For Human Genetics Tuebingen Variant Classification Criteria Version 2. Collection method: clinical testing. Allele origin: germline. Affected: yes. Observed: 1 variant allele.
Comment: DOCK7: BP4, BP7

Labcorp Genetics (formerly Invitae), Labcorp
Classification: Likely benign for Developmental and epileptic encephalopathy, 23. Last evaluated: 2023-11-09. Review status: criteria provided, single submitter. Criteria: Invitae Variant Classification Sherloc (09022015). Collection method: clinical testing. Allele origin: germline.

NM_001367561.1(DOCK7):c.3864C>T (p.Thr1288=)

Gene: DOCK7 (dedicator of cytokinesis 7; minus strand). Cytogenetic location: 1p31.3.
Variant type: single nucleotide variant.
Coding change: c.3864C>T on transcript NM_001367561.1 (MANE Select); coding-DNA position 3864, C replaced by T.
Protein change: p.Thr1288=; no amino-acid change (threonine 1288 retained).
Molecular consequence: synonymous variant.
Genome position (GRCh38, 1-based): chr1:62,528,223, G>A on the plus strand (C>T on the coding strand, the complement: DOCK7 is on the minus strand). VCF-style: chr1-62528223-G-A. GRCh37 (hg19) VCF-style: chr1-62993894-G-A.
Other names: c.3864C>T, p.Thr1288= (NM_001271999.2, NM_001330614.2); c.3771C>T, p.Thr1257= (NM_001272000.2, NM_001272001.2, NM_033407.4).
Identifiers: ClinVar variation 2760813 (VCV002760813.5), dbSNP rs138239872, ClinGen allele CA885862.
Genomic context (GRCh38, chr1:62,528,223, plus strand): 5'-GAGGAAACTGCCAGGCCTTGTTAGTTGAGGGACCGATGTCCCTGCGATTGCCATGGCAAC[G>A]GTCTGGCTTATCATACTTCCGCTCTCACTTTCATAATCATCAGTGGCTATACAAATTGGT-3'
Protein context (NP_001354490.1, residues 1278-1298): ESESGSMISQ[Thr1288=]VAMAIAGTSV